The following is an entry in ClinVar:

ClinVar aggregate classification (germline): Uncertain significance. Review status: criteria provided, multiple submitters, no conflicts (2 of 4 stars). 2 submissions from 2 submitters: Uncertain significance (2). Last evaluated 2026-07-07.

Conditions:
Tuberous sclerosis 2 (TSC2). Identifiers: Orphanet 805, MedGen C1860707, MONDO:0013199, OMIM 613254.
Hereditary cancer-predisposing syndrome. Also called: Hereditary neoplastic syndrome; Hereditary Cancer Syndrome; Neoplastic Syndromes, Hereditary; Tumor predisposition. Identifiers: Orphanet 140162, MedGen C0027672, MeSH D009386, MONDO:0015356.

Submissions (2):

Ambry Genetics
Classification: Uncertain significance for Hereditary cancer-predisposing syndrome. Last evaluated: 2026-07-07. Review status: criteria provided, single submitter. Criteria: Ambry Variant Classification Scheme 2023. Collection method: clinical testing. Allele origin: germline.
Comment: The p.W1430S variant (also known as c.4289G>C), located in coding exon 33 of the TSC2 gene, results from a G to C substitution at nucleotide position 4289. The tryptophan at codon 1430 is replaced by serine, an amino acid with highly dissimilar properties. This amino acid position is conserved. In addition, the in silico prediction for this alteration is inconclusive. Based on the available evidence, the clinical significance of this variant remains unclear.

Labcorp Genetics (formerly Invitae), Labcorp
Classification: Uncertain significance for Tuberous sclerosis 2. Last evaluated: 2023-11-10. Review status: criteria provided, single submitter. Criteria: Invitae Variant Classification Sherloc (09022015). Collection method: clinical testing. Allele origin: germline.
Comment: This sequence change replaces tryptophan, which is neutral and slightly polar, with serine, which is neutral and polar, at codon 1430 of the TSC2 protein (p.Trp1430Ser). This variant is not present in population databases (gnomAD no frequency). This variant has not been reported in the literature in individuals affected with TSC2-related conditions. Advanced modeling of protein sequence and biophysical properties (such as structural, functional, and spatial information, amino acid conservation, physicochemical variation, residue mobility, and thermodynamic stability) performed at Invitae indicates that this missense variant is not expected to disrupt TSC2 protein function with a negative predictive value of 95%. In summary, the available evidence is currently insufficient to determine the role of this variant in disease. Therefore, it has been classified as a Variant of Uncertain Significance.

NM_000548.5(TSC2):c.4289G>C (p.Trp1430Ser)

Gene: TSC2 (TSC complex subunit 2; plus strand). Cytogenetic location: 16p13.3.
Variant type: single nucleotide variant.
Coding change: c.4289G>C on transcript NM_000548.5 (MANE Select); coding-DNA position 4289, G replaced by C.
Protein change: p.Trp1430Ser; replaces tryptophan 1430 with serine.
Molecular consequence: missense variant. On other transcripts: non-coding transcript variant (5).
Genome position (GRCh38, 1-based): chr16:2,084,511, G>C. VCF-style: chr16-2084511-G-C. GRCh37 (hg19) VCF-style: chr16-2134512-G-C.
Other names: c.4088G>C, p.Trp1363Ser (NM_001077183.3); c.4220G>C, p.Trp1407Ser (NM_001114382.3); c.3980G>C, p.Trp1327Ser (NM_001318827.2); c.3944G>C, p.Trp1315Ser (NM_001318829.2); c.3557G>C, p.Trp1186Ser (NM_001318831.2); c.4121G>C, p.Trp1374Ser (NM_001318832.2); c.4091G>C, p.Trp1364Ser (NM_001363528.2); c.4157G>C, p.Trp1386Ser (NM_001370404.1); and 26 more; short protein forms W1210S, W1315S, W1326S, W1358S, W1360S, W1363S, W1370S, W829S.
Identifiers: ClinVar variation 2694689 (VCV002694689.4), dbSNP rs45507198, ClinGen allele CA394300982.
Genomic context (GRCh38, chr16:2,084,511, plus strand): 5'-TGAGCCCTGAGGTTAAGGCCCGGTCACAGTCAGGGACCCTGGACGGGGAAAGTGCTGCCT[G>C]GTCGGCCTCGGGCGAAGACAGTCGGGGCCAGCCCGAGGGTCCCTTGCCTTCCAGCTCCCC-3'
Protein context (NP_000539.2, residues 1420-1440): SGTLDGESAA[Trp1430Ser]SASGEDSRGQ